The following is an entry in ClinVar:

NM_001004334.4(GPR179):c.2413G>C (p.Glu805Gln)

Gene: GPR179 (G protein-coupled receptor 179; minus strand). Cytogenetic location: 17q12.
Variant type: single nucleotide variant.
Coding change: c.2413G>C on transcript NM_001004334.4 (MANE Select); coding-DNA position 2413, G replaced by C.
Protein change: p.Glu805Gln; replaces glutamic acid 805 with glutamine.
Molecular consequence: missense variant.
Genome position (GRCh38, 1-based): chr17:38,331,156, C>G on the plus strand (G>C on the coding strand, the complement: GPR179 is on the minus strand). VCF-style: chr17-38331156-C-G. GRCh37 (hg19) VCF-style: chr17-36487039-C-G.
Other names: short protein forms E805Q.
Identifiers: ClinVar variation 891076 (VCV000891076.16), dbSNP rs199619898, ClinGen allele CA290105860.

ClinVar aggregate classification (germline): Conflicting classifications of pathogenicity. Review status: criteria provided, conflicting classifications (1 of 4 stars). 4 submissions from 4 submitters: Uncertain significance (2); Benign (1); Likely benign (1). Last evaluated 2026-01-18.

Conditions:
Congenital stationary night blindness 1E. Also called: Night blindness, congenital stationary (complete), 1E, autosomal recessive. Identifiers: Orphanet 215, MedGen C3281215, MONDO:0013807, OMIM 614565.

Allele frequency attached by ClinVar (database versions not stated): ESP Exome Variant Server 0.00067; 1000 Genomes Project 0.00100; TOPMed 0.00109; 1000 Genomes Project 30x 0.00125.
gnomAD v4.1: 2,282 of 1,607,542 alleles (0.14%); highest among the groups gnomAD compares: South Asian, 0.27%; 9 homozygotes.

Submissions (4):

Labcorp Genetics (formerly Invitae), Labcorp
Classification: Benign. Last evaluated: 2026-01-18. Review status: criteria provided, single submitter. Criteria: Invitae Variant Classification Sherloc (09022015). Collection method: clinical testing. Allele origin: germline.

Blueprint Genetics
Classification: Likely benign. Last evaluated: 2024-11-26. Review status: criteria provided, single submitter. Criteria: ACMG Guidelines, 2015. Collection method: clinical testing. Allele origin: germline.

Centre for Mendelian Genomics, University Medical Centre Ljubljana
Classification: Uncertain significance for Congenital stationary night blindness 1E. Last evaluated: 2020-03-07. Review status: criteria provided, single submitter. Criteria: ACMG Guidelines, 2015. Collection method: clinical testing. Allele origin: unknown. Affected: yes.
Comment: This variant was classified as: Uncertain significance. The available evidence on this variant's pathogenicity is insufficient or conflicting.

Illumina Laboratory Services, Illumina
Classification: Uncertain significance for Congenital stationary night blindness 1E. Last evaluated: 2018-01-12. Review status: criteria provided, single submitter. Criteria: ICSL Variant Classification Criteria 13 December 2019. Collection method: clinical testing. Allele origin: germline.